The following is an entry in ClinVar:

NM_133259.4(LRPPRC):c.3963C>A (p.Tyr1321Ter)

Gene: LRPPRC (leucine rich pentatricopeptide repeat containing; minus strand). Cytogenetic location: 2p21.
Variant type: single nucleotide variant.
Coding change: c.3963C>A on transcript NM_133259.4 (MANE Select); coding-DNA position 3963, C replaced by A.
Protein change: p.Tyr1321Ter; replaces tyrosine 1321 with a stop codon.
Molecular consequence: nonsense.
Genome position (GRCh38, 1-based): chr2:43,894,567, G>T on the plus strand (C>A on the coding strand, the complement: LRPPRC is on the minus strand). VCF-style: chr2-43894567-G-T. GRCh37 (hg19) VCF-style: chr2-44121706-G-T.
Other names: p.Y1321*:TAC>TAA; short protein forms Y1321*.
Identifiers: ClinVar variation 214597 (VCV000214597.41), dbSNP rs863224052, ClinGen allele CA324789.

ClinVar aggregate classification (germline): Pathogenic/Likely pathogenic. Review status: criteria provided, multiple submitters, no conflicts (2 of 4 stars). 3 submissions from 3 submitters: Pathogenic (1); Likely pathogenic (2). Last evaluated 2022-08-04.

Conditions:
Congenital lactic acidosis, Saguenay-Lac-Saint-Jean type (MC4DN5). Also called: MITOCHONDRIAL COMPLEX IV DEFICIENCY, NUCLEAR TYPE 5; CYTOCHROME c OXIDASE DEFICIENCY, FRENCH CANADIAN TYPE; COX DEFICIENCY, FRENCH CANADIAN TYPE. Identifiers: Orphanet 70472, MedGen C1857355, MONDO:0009069, OMIM 220111.

Allele frequency attached by ClinVar (database versions not stated): gnomAD exomes below 0.00001; TOPMed below 0.00001.
gnomAD v4.1: 1 of 1,547,816 alleles (0.000065%); highest among the groups gnomAD compares: Non-Finnish European, 0.000089%; no homozygotes.

Submissions (3):

Women's Health and Genetics/Laboratory Corporation of America, LabCorp
Classification: Likely pathogenic for Congenital lactic acidosis, Saguenay-Lac-Saint-Jean type. Last evaluated: 2022-08-04. Review status: criteria provided, single submitter. Criteria: LabCorp Variant Classification Summary - May 2015. Collection method: clinical testing. Allele origin: germline.
Comment: Variant summary: LRPPRC c.3963C>A (p.Tyr1321X) results in a premature termination codon, predicted to cause a truncation of the encoded protein or absence of the protein due to nonsense mediated decay, which are commonly known mechanisms for disease. The variant was absent in 250878 control chromosomes (gnomAD). To our knowledge, no occurrence of c.3963C>A in individuals affected with LRPPRC-related disorders such as Leigh Syndrome and no experimental evidence demonstrating its impact on protein function have been reported. One submitter has provided an assessment for this variant to ClinVar after 2014 without evidence for independent evaluation and classified the variant as likely pathogenic. Based on the evidence outlined above, the variant was classified as likely pathogenic.

CeGaT Center for Human Genetics Tuebingen
Classification: Likely pathogenic. Last evaluated: 2021-02-01. Review status: criteria provided, single submitter. Criteria: CeGaT Center For Human Genetics Tuebingen Variant Classification Criteria Version 2. Collection method: clinical testing. Allele origin: germline. Affected: yes. Observed: 1 variant allele.

GeneDx
Classification: Pathogenic. Last evaluated: 2013-12-27. Review status: criteria provided, single submitter. Criteria: GeneDx Variant Classification (06012015). Collection method: clinical testing. Allele origin: germline. Affected: yes.
Comment: p.Tyr1321Stop (TAC>TAA): c.3963 C>A in exon 36 of the LRPPRC gene (NM_133259.3). The Y1321X nonsense mutation in the LRPPRC gene is predicted to cause loss of normal protein function either through protein truncation or nonsense-mediated mRNA decay. Although this mutation has not been reported previously to our knowledge, it is expected to be a pathogenic mutation. The variant is found in MITONUC-MITOP panel(s).